The following is an entry in ClinVar:

ClinVar aggregate classification (germline): Uncertain significance (0 of 4 stars; one submission).

Conditions:
OTOF-related disorder. Also called: OTOF-related condition.

Allele frequency attached by ClinVar (database versions not stated): gnomAD exomes 0.00001; ExAC 0.00003; TOPMed 0.00003.
gnomAD v4.1: 21 of 1,612,468 alleles (0.0013%); highest among the groups gnomAD compares: African/African-American, 0.0067%; no homozygotes.

Submission:

PreventionGenetics, part of Exact Sciences
Classification: Uncertain significance for OTOF-related condition. Last evaluated: 2023-11-19. Review status: no assertion criteria provided. Collection method: clinical testing. Allele origin: germline.
Comment: The OTOF c.1966C>T variant is predicted to result in the amino acid substitution p.Arg656Trp. To our knowledge, this variant has not been reported in the literature. This variant is reported in 0.0018% of alleles in individuals of European (Non-Finnish) descent in gnomAD. At this time, the clinical significance of this variant is uncertain due to the absence of conclusive functional and genetic evidence.

NM_194248.3(OTOF):c.1966C>T (p.Arg656Trp)

Gene: OTOF (otoferlin; minus strand). Cytogenetic location: 2p23.3.
Variant type: single nucleotide variant.
Coding change: c.1966C>T on transcript NM_194248.3 (MANE Select); coding-DNA position 1966, C replaced by T.
Protein change: p.Arg656Trp; replaces arginine 656 with tryptophan.
Molecular consequence: missense variant.
Genome position (GRCh38, 1-based): chr2:26,479,600, G>A on the plus strand (C>T on the coding strand, the complement: OTOF is on the minus strand). VCF-style: chr2-26479600-G-A. GRCh37 (hg19) VCF-style: chr2-26702468-G-A.
Other names: c.1966C>T, p.Arg656Trp (NM_001287489.2); short protein forms R656W.
Identifiers: ClinVar variation 3036145 (VCV003036145.2), dbSNP rs755740624, ClinGen allele CA1564101.